The following is an entry in ClinVar:

NM_001195263.2(PDZD7):c.1228T>G (p.Ser410Ala)

Gene: PDZD7 (PDZ domain containing 7; minus strand). Cytogenetic location: 10q24.31.
Variant type: single nucleotide variant.
Coding change: c.1228T>G on transcript NM_001195263.2 (MANE Select); coding-DNA position 1228, T replaced by G.
Protein change: p.Ser410Ala; replaces serine 410 with alanine.
Molecular consequence: missense variant.
Genome position (GRCh38, 1-based): chr10:101,018,918, A>C on the plus strand (T>G on the coding strand, the complement: PDZD7 is on the minus strand). VCF-style: chr10-101018918-A-C. GRCh37 (hg19) VCF-style: chr10-102778675-A-C.
Other names: c.1228T>G, p.Ser410Ala (NM_001351044.2, NM_024895.5); short protein forms S410A.
Identifiers: ClinVar variation 1416845 (VCV001416845.6), dbSNP rs2134056518, ClinGen allele CA378228495.

ClinVar aggregate classification (germline): Uncertain significance (1 of 4 stars; one submission).

Submission:

Labcorp Genetics (formerly Invitae), Labcorp
Classification: Uncertain significance. Last evaluated: 2022-07-06. Review status: criteria provided, single submitter. Criteria: Invitae Variant Classification Sherloc (09022015). Collection method: clinical testing. Allele origin: germline.
Comment: This sequence change replaces serine, which is neutral and polar, with alanine, which is neutral and non-polar, at codon 410 of the PDZD7 protein (p.Ser410Ala). In summary, the available evidence is currently insufficient to determine the role of this variant in disease. Therefore, it has been classified as a Variant of Uncertain Significance. Algorithms developed to predict the effect of missense changes on protein structure and function are either unavailable or do not agree on the potential impact of this missense change (SIFT: "Tolerated"; PolyPhen-2: "Not Available"; Align-GVGD: "Class C0"). ClinVar contains an entry for this variant (Variation ID: 1416845). This variant has not been reported in the literature in individuals affected with PDZD7-related conditions. This variant is not present in population databases (gnomAD no frequency).